The following is an entry in ClinVar:

ClinVar aggregate classification (germline): Uncertain significance (1 of 4 stars; one submission).

Submission:

Women's Health and Genetics/Laboratory Corporation of America, LabCorp
Classification: Uncertain significance. Last evaluated: 2024-09-10. Review status: criteria provided, single submitter. Criteria: LabCorp Variant Classification Summary - May 2015. Collection method: clinical testing. Allele origin: germline.
Comment: Variant summary: ASXL2 c.1211C>A (p.Thr404Asn) results in a non-conservative amino acid change in the encoded protein sequence. Four of five in-silico tools predict a benign effect of the variant on protein function. The variant was absent in 249048 control chromosomes. The available data on variant occurrences in the general population are insufficient to allow any conclusion about variant significance. To our knowledge, no occurrence of c.1211C>A in individuals affected with Shashi-Pena Syndrome and no experimental evidence demonstrating its impact on protein function have been reported. No submitters have cited clinical-significance assessments for this variant to ClinVar. Based on the evidence outlined above, the variant was classified as uncertain significance.

NM_018263.6(ASXL2):c.1211C>A (p.Thr404Asn)

Gene: ASXL2 (ASXL transcriptional regulator 2; minus strand). Cytogenetic location: 2p23.3.
Variant type: single nucleotide variant.
Coding change: c.1211C>A on transcript NM_018263.6 (MANE Select); coding-DNA position 1211, C replaced by A.
Protein change: p.Thr404Asn; replaces threonine 404 with asparagine.
Molecular consequence: missense variant.
Genome position (GRCh38, 1-based): chr2:25,750,345, G>T on the plus strand (C>A on the coding strand, the complement: ASXL2 is on the minus strand). VCF-style: chr2-25750345-G-T. GRCh37 (hg19) VCF-style: chr2-25973214-G-T.
Other names: c.1037C>A, p.Thr346Asn (NM_001369346.1); c.431C>A, p.Thr144Asn (NM_001369347.1); short protein forms T144N, T346N, T404N.
Identifiers: ClinVar variation 3374913 (VCV003374913.1).
Genomic context (GRCh38, chr2:25,750,345, plus strand): 5'-GGAACTATTCTGATAAGAGAGGCCTCTGACACAGGCATGGATTTTGGTTGTTCAGCTGGG[G>T]TTTTCTTTACTTTGGGATCACTGGGAGAAGCTGTCAATTTCTTAGAATCTTCAAGGCTCA-3'
Protein context (NP_060733.4, residues 394-414): ASPSDPKVKK[Thr404Asn]PAEQPKSMPV